The following is an entry in ClinVar:

NM_004370.6(COL12A1):c.7738A>G (p.Ile2580Val)

Gene: COL12A1 (collagen type XII alpha 1 chain; minus strand). Cytogenetic location: 6q13.
Variant type: single nucleotide variant.
Coding change: c.7738A>G on transcript NM_004370.6 (MANE Select); coding-DNA position 7738, A replaced by G.
Protein change: p.Ile2580Val; replaces isoleucine 2580 with valine.
Molecular consequence: missense variant.
Genome position (GRCh38, 1-based): chr6:75,113,704, T>C on the plus strand (A>G on the coding strand, the complement: COL12A1 is on the minus strand). VCF-style: chr6-75113704-T-C. GRCh37 (hg19) VCF-style: chr6-75823420-T-C.
Other names: c.4246A>G, p.Ile1416Val (NM_080645.3); short protein forms I1416V, I2580V.
Identifiers: ClinVar variation 1316137 (VCV001316137.5), dbSNP rs781269301, ClinGen allele CA3892468.

ClinVar aggregate classification (germline): Uncertain significance. Review status: criteria provided, multiple submitters, no conflicts (2 of 4 stars). 2 submissions from 2 submitters: Uncertain significance (2). Last evaluated 2025-10-26.

Conditions:
Bethlem myopathy 2 (BTHLM2). Identifiers: Orphanet 536516, Orphanet 610, MedGen C4225313, MONDO:0034022, OMIM 616471.
Ullrich congenital muscular dystrophy 2 (UCMD2). Identifiers: Orphanet 75840, MedGen C4225314, MONDO:0014654, OMIM 616470.

Allele frequency attached by ClinVar (database versions not stated): gnomAD 0.00001; ExAC 0.00002; TOPMed 0.00001; gnomAD exomes 0.00001.
gnomAD v4.1: 4 of 1,604,700 alleles (0.00025%); highest among the groups gnomAD compares: Non-Finnish European, 0.00034%; no homozygotes.

Submissions (2):

Labcorp Genetics (formerly Invitae), Labcorp
Classification: Uncertain significance for Bethlem myopathy 2; Ullrich congenital muscular dystrophy 2. Last evaluated: 2025-10-26. Review status: criteria provided, single submitter. Criteria: Invitae Variant Classification Sherloc (09022015). Collection method: clinical testing. Allele origin: germline.
Comment: This sequence change replaces isoleucine, which is neutral and non-polar, with valine, which is neutral and non-polar, at codon 2580 of the COL12A1 protein (p.Ile2580Val). This variant is present in population databases (rs781269301, gnomAD 0.003%). This variant has not been reported in the literature in individuals affected with COL12A1-related conditions. ClinVar contains an entry for this variant (Variation ID: 1316137). Invitae Evidence Modeling of protein sequence and biophysical properties (such as structural, functional, and spatial information, amino acid conservation, physicochemical variation, residue mobility, and thermodynamic stability) indicates that this missense variant is not expected to disrupt COL12A1 protein function with a negative predictive value of 80%. In summary, the available evidence is currently insufficient to determine the role of this variant in disease. Therefore, it has been classified as a Variant of Uncertain Significance.

GeneDx
Classification: Uncertain significance. Last evaluated: 2018-10-04. Review status: criteria provided, single submitter. Criteria: GeneDx Variant Classification Process June 2021. Collection method: clinical testing. Allele origin: germline. Affected: yes.
Comment: In silico analysis, which includes protein predictors and evolutionary conservation, supports that this variant does not alter protein structure/function; Has not been previously published as pathogenic or benign to our knowledge